The following is an entry in ClinVar:

ClinVar aggregate classification (germline): Uncertain significance. Review status: criteria provided, multiple submitters, no conflicts (2 of 4 stars). 2 submissions from 2 submitters: Uncertain significance (2). Last evaluated 2024-06-14.

Conditions:
Cone-rod dystrophy 13 (CORD13). Identifiers: Orphanet 1872, MedGen C2750720, MONDO:0011987, OMIM 608194.
Leber congenital amaurosis 6 (LCA6). Identifiers: Orphanet 65, MedGen C1854260, MONDO:0013446, OMIM 613826.

Allele frequency attached by ClinVar (database versions not stated): TOPMed below 0.00001.
gnomAD v4.1: 2 of 1,613,566 alleles (0.00012%); no homozygotes.

Submissions (2):

Blueprint Genetics
Classification: Uncertain significance. Last evaluated: 2024-06-14. Review status: criteria provided, single submitter. Criteria: ACMG Guidelines, 2015. Collection method: clinical testing. Allele origin: germline.

Labcorp Genetics (formerly Invitae), Labcorp
Classification: Uncertain significance for Leber congenital amaurosis 6; Cone-rod dystrophy 13. Last evaluated: 2022-09-12. Review status: criteria provided, single submitter. Criteria: Invitae Variant Classification Sherloc (09022015). Collection method: clinical testing. Allele origin: germline.
Comment: In summary, the available evidence is currently insufficient to determine the role of this variant in disease. Therefore, it has been classified as a Variant of Uncertain Significance. Advanced modeling of protein sequence and biophysical properties (such as structural, functional, and spatial information, amino acid conservation, physicochemical variation, residue mobility, and thermodynamic stability) has been performed at Invitae for this missense variant, however the output from this modeling did not meet the statistical confidence thresholds required to predict the impact of this variant on RPGRIP1 protein function. ClinVar contains an entry for this variant (Variation ID: 966525). This variant has not been reported in the literature in individuals affected with RPGRIP1-related conditions. This variant is not present in population databases (gnomAD no frequency). This sequence change replaces glutamine, which is neutral and polar, with arginine, which is basic and polar, at codon 998 of the RPGRIP1 protein (p.Gln998Arg).

NM_020366.4(RPGRIP1):c.2993A>G (p.Gln998Arg)

Gene: RPGRIP1 (RPGR interacting protein 1; plus strand). Cytogenetic location: 14q11.2.
Variant type: single nucleotide variant.
Coding change: c.2993A>G on transcript NM_020366.4 (MANE Select); coding-DNA position 2993, A replaced by G.
Protein change: p.Gln998Arg; replaces glutamine 998 with arginine.
Molecular consequence: missense variant.
Genome position (GRCh38, 1-based): chr14:21,328,521, A>G. VCF-style: chr14-21328521-A-G. GRCh37 (hg19) VCF-style: chr14-21796680-A-G.
Other names: c.971A>G, p.Gln324Arg (NM_001377523.1, NM_001377950.1); c.1919A>G, p.Gln640Arg (NM_001377948.1); c.1079A>G, p.Gln360Arg (NM_001377949.1); c.473A>G, p.Gln158Arg (NM_001377951.1); short protein forms Q324R, Q360R, Q158R, Q998R, Q640R.
Identifiers: ClinVar variation 966525 (VCV000966525.8), dbSNP rs1883354997, ClinGen allele CA388871213.